The following is an entry in ClinVar:

NM_000278.5(PAX2):c.1044G>C (p.Pro348=)

Gene: PAX2 (paired box 2; plus strand). Cytogenetic location: 10q24.31.
Variant type: single nucleotide variant.
Coding change: c.1044G>C on transcript NM_000278.5 (MANE Select); coding-DNA position 1044, G replaced by C.
Protein change: p.Pro348=; no amino-acid change (proline 348 retained).
Molecular consequence: synonymous variant. On other transcripts: missense variant (1).
Genome position (GRCh38, 1-based): chr10:100,827,031, G>C. VCF-style: chr10-100827031-G-C. GRCh37 (hg19) VCF-style: chr10-102586788-G-C.
Other names: c.1137G>C, p.Pro379= (NM_001304569.2); c.1113G>C, p.Pro371= (NM_003987.5, NM_003990.5); c.1127G>C, p.Arg376Pro (NM_003988.5); c.1044G>C, p.Pro348= (NM_003989.5); short protein forms R376P.
Identifiers: ClinVar variation 4785348 (VCV004785348.1).

ClinVar aggregate classification (germline): Uncertain significance (1 of 4 stars; one submission).

Conditions:
Focal segmental glomerulosclerosis 7 (FSGS7). Identifiers: Orphanet 656, MedGen C4014925, MONDO:0014451, OMIM 616002.
Renal coloboma syndrome (PAPRS). Also called: PAPILLORENAL SYNDROME; COLOBOMA OF OPTIC NERVE WITH RENAL DISEASE; OPTIC COLOBOMA, VESICOURETERAL REFLUX, AND RENAL ANOMALIES; OPTIC NERVE COLOBOMA WITH RENAL DISEASE; RENAL-COLOBOMA SYNDROME WITH MACULAR ABNORMALITIES; PAPILLORENAL SYNDROME WITH MILD OCULAR ABNORMALITIES. Identifiers: Orphanet 1475, MedGen C1852759, MONDO:0007352, OMIM 120330.

gnomAD v4.1: 2 of 1,613,432 alleles (0.00012%); highest among the groups gnomAD compares: African/African-American, 0.0027%; no homozygotes.

Submission:

Labcorp Genetics (formerly Invitae), Labcorp
Classification: Uncertain significance for Renal coloboma syndrome; Focal segmental glomerulosclerosis 7. Last evaluated: 2025-06-22. Review status: criteria provided, single submitter. Criteria: Invitae Variant Classification Sherloc (09022015). Collection method: clinical testing. Allele origin: germline.
Comment: This sequence change replaces arginine, which is basic and polar, with proline, which is neutral and non-polar, at codon 376 of the PAX2 protein (p.Arg376Pro). This variant is present in population databases (no rsID available, gnomAD 0.007%). This variant has not been reported in the literature in individuals affected with PAX2-related conditions. Experimental studies and prediction algorithms are not available or were not evaluated, and the functional significance of this variant is currently unknown. In summary, the available evidence is currently insufficient to determine the role of this variant in disease. Therefore, it has been classified as a Variant of Uncertain Significance.